The following is an entry in ClinVar:

NM_144687.4(NLRP12):c.1355T>C (p.Leu452Pro)

Gene: NLRP12 (NLR family pyrin domain containing 12; minus strand). Cytogenetic location: 19q13.42.
Variant type: single nucleotide variant.
Coding change: c.1355T>C on transcript NM_144687.4 (MANE Select); coding-DNA position 1355, T replaced by C.
Protein change: p.Leu452Pro; replaces leucine 452 with proline.
Molecular consequence: missense variant.
Genome position (GRCh38, 1-based): chr19:53,810,304, A>G on the plus strand (T>C on the coding strand, the complement: NLRP12 is on the minus strand). VCF-style: chr19-53810304-A-G. GRCh37 (hg19) VCF-style: chr19-54313558-A-G.
Other names: c.1355T>C, p.Leu452Pro (NM_001277126.2, NM_001277129.1); short protein forms L452P.
Identifiers: ClinVar variation 654169 (VCV000654169.8), dbSNP rs1173800721, ClinGen allele CA407413716.

ClinVar aggregate classification (germline): Uncertain significance (1 of 4 stars; one submission).

Conditions:
Familial cold autoinflammatory syndrome 2 (FCAS2). Identifiers: Orphanet 247868, MedGen C2673198, MONDO:0012724, OMIM 611762.

Allele frequency attached by ClinVar (database versions not stated): TOPMed 0.00001.

Submission:

Labcorp Genetics (formerly Invitae), Labcorp
Classification: Uncertain significance for Familial cold autoinflammatory syndrome 2. Last evaluated: 2018-12-18. Review status: criteria provided, single submitter. Criteria: Invitae Variant Classification Sherloc (09022015). Collection method: clinical testing. Allele origin: germline.
Comment: This sequence change replaces leucine with proline at codon 452 of the NLRP12 protein (p.Leu452Pro). The leucine residue is moderately conserved and there is a moderate physicochemical difference between leucine and proline. This variant is not present in population databases (ExAC no frequency). This variant has not been reported in the literature in individuals with NLRP12-related conditions. Algorithms developed to predict the effect of missense changes on protein structure and function output the following: SIFT: "Tolerated"; PolyPhen-2: "Benign"; Align-GVGD: "Class C0". The proline amino acid residue is found in multiple mammalian species, suggesting that this missense change does not adversely affect protein function. These predictions have not been confirmed by published functional studies and their clinical significance is uncertain. In summary, the available evidence is currently insufficient to determine the role of this variant in disease. Therefore, it has been classified as a Variant of Uncertain Significance.